The following is an entry in ClinVar:

ClinVar aggregate classification (germline): Uncertain significance (1 of 4 stars; one submission).

Conditions:
Pyruvate dehydrogenase E1-alpha deficiency (PDHAD). Also called: ATAXIA, INTERMITTENT, WITH PYRUVATE DEHYDROGENASE DEFICIENCY; ATAXIA WITH LACTIC ACIDOSIS I; ATAXIA, INTERMITTENT, WITH ABNORMAL PYRUVATE METABOLISM; Ataxia, intermittent, with pyruvate dehydrogenase, or decarboxylase, deficiency. Identifiers: Orphanet 79243, MedGen C1839413, MONDO:0010717, OMIM 312170.

Submission:

Labcorp Genetics (formerly Invitae), Labcorp
Classification: Uncertain significance for Pyruvate dehydrogenase E1-alpha deficiency. Last evaluated: 2025-04-02. Review status: criteria provided, single submitter. Criteria: Invitae Variant Classification Sherloc (09022015). Collection method: clinical testing. Allele origin: germline.
Comment: This sequence change replaces glycine, which is neutral and non-polar, with tryptophan, which is neutral and slightly polar, at codon 162 of the PDHA1 protein (p.Gly162Trp). This variant is not present in population databases (gnomAD no frequency). This variant has not been reported in the literature in individuals affected with PDHA1-related conditions. Invitae Evidence Modeling of protein sequence and biophysical properties (such as structural, functional, and spatial information, amino acid conservation, physicochemical variation, residue mobility, and thermodynamic stability) indicates that this missense variant is expected to disrupt PDHA1 protein function with a positive predictive value of 95%. In summary, the available evidence is currently insufficient to determine the role of this variant in disease. Therefore, it has been classified as a Variant of Uncertain Significance.

NM_000284.4(PDHA1):c.484G>T (p.Gly162Trp)

Gene: PDHA1 (pyruvate dehydrogenase E1 subunit alpha 1; plus strand). Cytogenetic location: Xp22.12.
Variant type: single nucleotide variant.
Coding change: c.484G>T on transcript NM_000284.4 (MANE Select); coding-DNA position 484, G replaced by T.
Protein change: p.Gly162Trp; replaces glycine 162 with tryptophan.
Molecular consequence: missense variant.
Genome position (GRCh38, 1-based): chrX:19,353,147, G>T. VCF-style: chrX-19353147-G-T. GRCh37 (hg19) VCF-style: chrX-19371265-G-T.
Other names: c.598G>T, p.Gly200Trp (NM_001173454.2); c.505G>T, p.Gly169Trp (NM_001173455.2); c.484G>T, p.Gly162Trp (NM_001173456.2); short protein forms G200W, G169W, G162W.
Identifiers: ClinVar variation 4746269 (VCV004746269.1).